The following is an entry in ClinVar:

NM_025074.7(FRAS1):c.9116-5C>G

Gene: FRAS1 (Fraser extracellular matrix complex subunit 1; plus strand). Cytogenetic location: 4q21.21.
Variant type: single nucleotide variant.
Coding change: c.9116-5C>G on transcript NM_025074.7 (MANE Select); 5 bases into the intron before coding-DNA position 9116, C replaced by G.
Molecular consequence: intron variant.
Genome position (GRCh38, 1-based): chr4:78,499,716, C>G. VCF-style: chr4-78499716-C-G. GRCh37 (hg19) VCF-style: chr4-79420870-C-G.
Other names: p.?.
Identifiers: ClinVar variation 261818 (VCV000261818.18), dbSNP rs7695038, ClinGen allele CA2978588.

ClinVar aggregate classification (germline): Benign. Review status: criteria provided, multiple submitters, no conflicts (2 of 4 stars). 10 submissions from 10 submitters: Benign (8). 2 of the submissions do not count toward it. Last evaluated 2026-02-04.

Conditions:
Fraser syndrome 1 (FRASRS1). Also called: CRYPTOPHTHALMOS WITH OTHER MALFORMATIONS. Identifiers: Orphanet 2052, MedGen C4551480, MONDO:0054737, OMIM 219000.

Allele frequency attached by ClinVar (database versions not stated): ESP Exome Variant Server 0.48065; gnomAD 0.50468; TOPMed 0.52421; 1000 Genomes Project 30x 0.58948; 1000 Genomes Project 0.59165.
gnomAD v4.1: 754,917 of 1,610,338 alleles (47%); highest among the groups gnomAD compares: East Asian, 71%; 183,644 homozygotes.

Submissions (10):

Labcorp Genetics (formerly Invitae), Labcorp
Classification: Benign. Last evaluated: 2026-02-04. Review status: criteria provided, single submitter. Criteria: Invitae Variant Classification Sherloc (09022015). Collection method: clinical testing. Allele origin: germline.

Blueprint Genetics
Classification: Benign. Last evaluated: 2024-11-26. Review status: criteria provided, single submitter. Criteria: ACMG Guidelines, 2015. Collection method: clinical testing. Allele origin: germline.

Mayo Clinic Laboratories, Mayo Clinic
Classification: Benign. Last evaluated: 2022-03-09. Review status: criteria provided, single submitter. Criteria: ACMG Guidelines, 2015. Collection method: clinical testing. Allele origin: germline. Observed: 62 variant alleles.

Genome-Nilou Lab
Classification: Benign for Fraser syndrome 1. Last evaluated: 2021-08-10. Review status: criteria provided, single submitter. Criteria: ACMG Guidelines, 2015. Collection method: clinical testing. Allele origin: germline. Affected: no.

GeneDx
Classification: Benign. Last evaluated: 2019-02-25. Review status: criteria provided, single submitter. Criteria: GeneDx Variant Classification Process June 2021. Collection method: clinical testing. Allele origin: germline. Affected: yes.

Illumina Laboratory Services, Illumina
Classification: Benign for Fraser syndrome 1. Last evaluated: 2018-01-12. Review status: criteria provided, single submitter. Criteria: ICSL Variant Classification Criteria 13 December 2019. Collection method: clinical testing. Allele origin: germline.
Comment: This variant was observed in the ICSL laboratory as part of a predisposition screen in an ostensibly healthy population. It had not been previously curated by ICSL or reported in the Human Gene Mutation Database (HGMD: prior to June 1st, 2018), and was therefore a candidate for classification through an automated scoring system. Utilizing variant allele frequency, disease prevalence and penetrance estimates, and inheritance mode, an automated score was calculated to assess if this variant is too frequent to cause the disease. Based on the score and internal cut-off values, a variant classified as benign is not then subjected to further curation. The score for this variant resulted in a classification of benign for this disease.

Breakthrough Genomics
Classification: Benign. Review status: criteria provided, single submitter. Criteria: ACMG Guidelines, 2015. Collection method: not provided. Allele origin: germline. Inheritance: Autosomal recessive inheritance. Affected: yes.

PreventionGenetics, part of Exact Sciences
Classification: Benign. Review status: criteria provided, single submitter. Criteria: ACMG Guidelines, 2015. Collection method: clinical testing. Allele origin: germline.

Diagnostic Laboratory, Department of Genetics, University Medical Center Groningen
Classification: Benign for Fraser syndrome 1. Review status: no assertion criteria provided. Collection method: clinical testing. Allele origin: germline. Affected: yes. Study: VKGL Data-share Consensus. Not counted in ClinVar's aggregate classification.

Genome Diagnostics Laboratory, University Medical Center Utrecht
Classification: Benign. Review status: no assertion criteria provided. Collection method: clinical testing. Allele origin: germline. Affected: yes. Study: VKGL Data-share Consensus. Not counted in ClinVar's aggregate classification.